The following is an entry in ClinVar:

NM_002055.5(GFAP):c.1036_1064del (p.Leu346fs)

Gene: GFAP (glial fibrillary acidic protein; minus strand). Cytogenetic location: 17q21.31.
Variant type: Deletion.
Coding change: c.1036_1064del on transcript NM_002055.5 (MANE Select); coding-DNA positions 1036 to 1064, 29 bases deleted (TTGCAGGAGTACCAGGACCTGCTCAATGT).
Protein change: p.Leu346fs; shifts the reading frame from leucine 346.
Molecular consequence: frameshift variant.
Genome position (GRCh38, 1-based): chr17:44,911,299-44,911,327, ACATTGAGCAGGTCCTGGTACTCCTGCAA deleted on the plus strand (TTGCAGGAGTACCAGGACCTGCTCAATGT on the coding strand, the reverse complement: GFAP is on the minus strand). VCF-style (leftmost placement, unchanged base first): chr17-44911298-GACATTGAGCAGGTCCTGGTACTCCTGCAA-G. GRCh37 (hg19) VCF-style: chr17-42988666-GACATTGAGCAGGTCCTGGTACTCCTGCAA-G.
Other names: p.Leu346Glnfs*67; c.1036_1064del, p.Leu346fs (NM_001131019.3, NM_001242376.3, NM_001363846.2); short protein forms L346fs.
Identifiers: ClinVar variation 1675270 (VCV001675270.6), dbSNP rs765762750, ClinGen allele CA8608763.

ClinVar aggregate classification (germline): Uncertain significance. Review status: criteria provided, multiple submitters, no conflicts (2 of 4 stars). 3 submissions from 3 submitters: Uncertain significance (3). Last evaluated 2023-08-04.

Allele frequency attached by ClinVar (database versions not stated): gnomAD 0.00001 and 0.00002; gnomAD exomes 0.00001; TOPMed 0.00001; ExAC 0.00002.

Submissions (3):

Labcorp Genetics (formerly Invitae), Labcorp
Classification: Uncertain significance. Last evaluated: 2023-08-04. Review status: criteria provided, single submitter. Criteria: Invitae Variant Classification Sherloc (09022015). Collection method: clinical testing. Allele origin: germline.
Comment: This sequence change creates a premature translational stop signal (p.Leu346Glnfs*67) in the GFAP gene. While this is not anticipated to result in nonsense mediated decay, it is expected to disrupt the last 87 amino acid(s) of the GFAP protein. This variant is present in population databases (rs765762750, gnomAD 0.007%). In summary, the available evidence is currently insufficient to determine the role of this variant in disease. Therefore, it has been classified as a Variant of Uncertain Significance. Algorithms developed to predict the effect of sequence changes on RNA splicing suggest that this variant may disrupt the consensus splice site. ClinVar contains an entry for this variant (Variation ID: 1675270). This variant has not been reported in the literature in individuals affected with GFAP-related conditions.

Mayo Clinic Laboratories, Mayo Clinic
Classification: Uncertain significance. Last evaluated: 2023-02-06. Review status: criteria provided, single submitter. Criteria: ACMG Guidelines, 2015. Collection method: clinical testing. Allele origin: germline. Observed: 1 variant allele.

GeneDx
Classification: Uncertain significance. Last evaluated: 2022-02-17. Review status: criteria provided, single submitter. Criteria: GeneDx Variant Classification Process June 2021. Collection method: clinical testing. Allele origin: germline. Affected: yes.
Comment: Frameshift variant predicted to result in protein truncation as the last 87 amino acids are replaced with 66 different amino acids, although loss-of-function is not a known mechanism of disease; Has not been previously published as pathogenic or benign to our knowledge